The following is an entry in ClinVar:

NM_001042432.2(CLN3):c.294+8_294+10inv

Gene: CLN3 (CLN3 lysosomal/endosomal transmembrane protein, battenin; minus strand). Cytogenetic location: 16p12.1.
Variant type: Inversion.
Coding change: c.294+8_294+10inv on transcript NM_001042432.2 (MANE Select).
Molecular consequence: intron variant.
Genome position: GRCh38 VCF-style: chr16-28488581-GAG-CTC. GRCh37 (hg19) VCF-style: chr16-28499902-GAG-CTC.
Other names: c.60+707_60+709inv (NM_001286109.2); c.222+707_222+709inv (NM_001286104.2); c.74+8_74+10inv (NM_001286105.2); c.132+8_132+10inv (NM_001286110.2); c.294+8_294+10inv (NM_000086.2).
Identifiers: ClinVar variation 1470107 (VCV001470107.7), ClinGen allele CA2573152267.

ClinVar aggregate classification (germline): Uncertain significance (1 of 4 stars; one submission).

Conditions:
Neuronal ceroid lipofuscinosis. Also called: Neuronal Ceroid Lipofuscinoses. Identifiers: Orphanet 216, Orphanet 79263, MedGen C0027877, MONDO:0016295. Disease mechanism: loss of function.

Submission:

Labcorp Genetics (formerly Invitae), Labcorp
Classification: Uncertain significance for Neuronal ceroid lipofuscinosis. Last evaluated: 2021-06-19. Review status: criteria provided, single submitter. Criteria: Invitae Variant Classification Sherloc (09022015). Collection method: clinical testing. Allele origin: germline.
Comment: In summary, the available evidence is currently insufficient to determine the role of this variant in disease. Therefore, it has been classified as a Variant of Uncertain Significance. Algorithms developed to predict the effect of sequence changes on RNA splicing suggest that this variant may create or strengthen a splice site, but this prediction has not been confirmed by published transcriptional studies. This sequence change falls in intron 5 of the CLN3 gene. It does not directly change the encoded amino acid sequence of the CLN3 protein. The frequency data for this variant in the population databases is not available, as this variant may be reported as separate entries in the ExAC database. This variant has not been reported in the literature in individuals with CLN3-related conditions.